The following is an entry in ClinVar:

NM_001242908.2(RSPO1):c.464C>T (p.Pro155Leu)

Gene: RSPO1 (R-spondin 1; minus strand). Cytogenetic location: 1p34.3.
Variant type: single nucleotide variant.
Coding change: c.464C>T on transcript NM_001242908.2 (MANE Select); coding-DNA position 464, C replaced by T.
Protein change: p.Pro155Leu; replaces proline 155 with leucine.
Molecular consequence: missense variant. On other transcripts: intron variant (1).
Genome position (GRCh38, 1-based): chr1:37,613,865, G>A on the plus strand (C>T on the coding strand, the complement: RSPO1 is on the minus strand). VCF-style: chr1-37613865-G-A. GRCh37 (hg19) VCF-style: chr1-38079537-G-A.
Other names: c.464C>T, p.Pro155Leu (NM_001038633.4); c.383C>T, p.Pro128Leu (NM_001242909.2); c.436+319C>T (NM_001242910.2); short protein forms P128L, P155L.
Identifiers: ClinVar variation 1958414 (VCV001958414.2), dbSNP rs201102260, ClinGen allele CA772613.

ClinVar aggregate classification (germline): Uncertain significance (1 of 4 stars; one submission).

Allele frequency attached by ClinVar (database versions not stated): 1000 Genomes Project 30x 0.00016; 1000 Genomes Project 0.00020; gnomAD 0.00023; gnomAD exomes 0.00023; TOPMed 0.00026; ExAC 0.00034; ESP Exome Variant Server 0.00041.
gnomAD v4.1: 405 of 1,614,084 alleles (0.025%); highest among the groups gnomAD compares: Middle Eastern, 0.76%; no homozygotes.

Submission:

Labcorp Genetics (formerly Invitae), Labcorp
Classification: Uncertain significance. Last evaluated: 2022-07-18. Review status: criteria provided, single submitter. Criteria: Invitae Variant Classification Sherloc (09022015). Collection method: clinical testing. Allele origin: germline.
Comment: This sequence change replaces proline, which is neutral and non-polar, with leucine, which is neutral and non-polar, at codon 155 of the RSPO1 protein (p.Pro155Leu). This variant is present in population databases (rs201102260, gnomAD 0.04%). This variant has not been reported in the literature in individuals affected with RSPO1-related conditions. Algorithms developed to predict the effect of missense changes on protein structure and function output the following: SIFT: "Tolerated"; PolyPhen-2: "Benign"; Align-GVGD: "Class C0". The leucine amino acid residue is found in multiple mammalian species, which suggests that this missense change does not adversely affect protein function. In summary, the available evidence is currently insufficient to determine the role of this variant in disease. Therefore, it has been classified as a Variant of Uncertain Significance.